The following is an entry in ClinVar:

ClinVar aggregate classification (germline): Pathogenic. Review status: criteria provided, multiple submitters, no conflicts (2 of 4 stars). 12 submissions from 12 submitters: Pathogenic (11). 1 of the submissions does not count toward it. Last evaluated 2024-07-17.

Conditions:
CHD7-related disorder. Also called: CHD7-related condition.
Inborn genetic diseases. Identifiers: MedGen C0950123, MeSH D030342.
CHARGE syndrome (CHARGE). Also called: Coloboma, heart anomaly, choanal atresia, retardation, genital and ear anomalies; CHARGE association; Hall-Hittner syndrome; CHARGE ASSOCIATION--COLOBOMA, HEART ANOMALY, CHOANAL ATRESIA, RETARDATION, GENITAL AND EAR ANOMALIES; Hittner Hirsch Kreh syndrome. Identifiers: Orphanet 138, MedGen C0265354, MONDO:0008965.

Allele frequency attached by ClinVar (database versions not stated): gnomAD exomes below 0.00001.

Submissions (12):

3billion
Classification: Pathogenic for CHD7-related CHARGE syndrome. Last evaluated: 2024-07-17. Review status: criteria provided, single submitter. Criteria: ACMG Guidelines, 2015. Collection method: clinical testing. Allele origin: germline. Affected: yes.
Comment: The variant is not observed in the gnomAD v4.0.0 dataset. Predicted Consequence/Location: Stop-gained (nonsense): predicted to result in a loss or disruption of normal protein function through nonsense-mediated decay (NMD) or protein truncation. Multiple pathogenic variants are reported downstream of the variant. The variant has been reported at least twice as pathogenic with clinical assertions and evidence for the classification (ClinVar ID: VCV000195321 /PMID: 15300250). Therefore, this variant is classified as Pathogenic according to the recommendation of ACMG/AMP guideline.

Labcorp Genetics (formerly Invitae), Labcorp
Classification: Pathogenic for CHARGE syndrome. Last evaluated: 2024-07-13. Review status: criteria provided, single submitter. Criteria: Invitae Variant Classification Sherloc (09022015). Collection method: clinical testing. Allele origin: germline.
Comment: This sequence change creates a premature translational stop signal (p.Arg157*) in the CHD7 gene. It is expected to result in an absent or disrupted protein product. Loss-of-function variants in CHD7 are known to be pathogenic (PMID: 22461308, 25077900). The frequency data for this variant in the population databases is considered unreliable, as metrics indicate poor data quality at this position in the gnomAD database. This premature translational stop signal has been observed in individual(s) with CHARGE syndrome (PMID: 15300250, 16155193, 17661815, 20624498, 21158681, 22461308, 23024289, 26538304; Invitae). In at least one individual the variant was observed to be de novo. It has also been observed to segregate with disease in related individuals. ClinVar contains an entry for this variant (Variation ID: 195321). For these reasons, this variant has been classified as Pathogenic.

Daryl Scott Lab, Baylor College of Medicine
Classification: Pathogenic for CHD7-related CHARGE syndrome. Last evaluated: 2024-04-01. Review status: criteria provided, single submitter. Criteria: ACMG Guidelines, 2015. Collection method: clinical testing. Allele origin: de novo. Affected: yes. Observed: 1 heterozygote.
Comment: PVS1, PS2, PM2

GeneDx
Classification: Pathogenic. Last evaluated: 2022-02-17. Review status: criteria provided, single submitter. Criteria: GeneDx Variant Classification Process June 2021. Collection method: clinical testing. Allele origin: germline. Affected: yes.
Comment: Nonsense variant predicted to result in protein truncation or nonsense mediated decay in a gene for which loss-of-function is a known mechanism of disease; Not observed at a significant frequency in large population cohorts (gnomAD); This variant is associated with the following publications: (PMID: 21554267, 21856375, 16155193, 21158681, 22461308, 17661815, 20624498, 21378379, 15300250, 26538304, 23024289)

Equipe Genetique des Anomalies du Developpement, Université de Bourgogne
Classification: Pathogenic for CHD7-related CHARGE syndrome. Last evaluated: 2021-10-18. Review status: criteria provided, single submitter. Criteria: ACMG Guidelines, 2015. Collection method: clinical testing. Allele origin: de novo. Affected: yes.

Laboratorio de Genetica e Diagnostico Molecular, Hospital Israelita Albert Einstein
Classification: Pathogenic for CHD7-related CHARGE syndrome. Last evaluated: 2021-05-13. Review status: criteria provided, single submitter. Criteria: ACMG Guidelines, 2015. Collection method: clinical testing. Allele origin: germline. Affected: yes.
Comment: ACMG classification criteria: PVS1 very strong, PS4 moderate, PM2 moderate, PM6 strong, PP1

Baylor Genetics
Classification: Pathogenic for CHD7-related CHARGE syndrome. Last evaluated: 2018-09-10. Review status: criteria provided, single submitter. Criteria: ACMG Guidelines, 2015. Collection method: clinical testing. Allele origin: de novo. Affected: yes.
Comment: This variant was determined to be pathogenic according to ACMG Guidelines, 2015 [PMID:25741868].

ARUP Laboratories, Molecular Genetics and Genomics, ARUP Laboratories
Classification: Pathogenic. Last evaluated: 2017-02-17. Review status: criteria provided, single submitter. Criteria: ARUP Molecular Germline Variant Investigation Process. Collection method: clinical testing. Allele origin: germline.

Ambry Genetics
Classification: Pathogenic for Inborn genetic diseases. Last evaluated: 2016-11-04. Review status: criteria provided, single submitter. Criteria: Ambry Variant Classification Scheme 2023. Collection method: clinical testing. Allele origin: germline.
Comment: The p.R157* variant (also known as c.469C>T), located in coding exon 1 of the CHD7 gene, results from a C to T substitution at nucleotide position 469. This changes the amino acid from an arginine to a stop codon within coding exon 1. This mutation has been detected in several individuals with CHARGE syndrome diagnoses and in others who only presented with minor diagnostic criteria features (Sohn YB et al. J. Hum. Genet., 2016 Mar;61:235-9). (Vissers LE et al. Nat. Genet., 2004 Sep;36:955-7). (Delahaye A et al. Clin. Genet., 2007 Aug;72:112-21). In addition to the clinical data presented in the literature, this alteration is expected to result in loss of function by premature protein truncation or nonsense-mediated mRNA decay. As such, this alteration is interpreted as a disease-causing mutation.

Genomic Diagnostic Laboratory, Division of Genomic Diagnostics, Children's Hospital of Philadelphia
Classification: Pathogenic for CHARGE syndrome. Last evaluated: 2016-09-05. Review status: criteria provided, single submitter. Criteria: DGD Variant Analysis Guidelines. Collection method: clinical testing. Allele origin: germline. Affected: yes. Observed: 1 variant allele.
Comment: Clinical Testing

Eurofins Ntd Llc (ga)
Classification: Pathogenic. Last evaluated: 2014-07-22. Review status: criteria provided, single submitter. Criteria: EGL Classification Definitions 2015. Collection method: clinical testing. Allele origin: germline. Observed: 1 variant allele, 1 heterozygote.

PreventionGenetics, part of Exact Sciences
Classification: Pathogenic for CHD7-related condition. Last evaluated: 2024-06-26. Review status: no assertion criteria provided. Collection method: clinical testing. Allele origin: germline. Not counted in ClinVar's aggregate classification.
Comment: The CHD7 c.469C>T variant is predicted to result in premature protein termination (p.Arg157*). This variant has been previously reported in the heterozygous state in several individuals with CHARGE syndrome (see, for example, Vissers et al. 2004. PubMed ID: 15300250, reported as R157X; Sohn et al. 2015. PubMed ID: 26538304). It has been reported as both a de novo variant (Legendre et al. 2012. PubMed ID: 23024289), and an inherited variant characterized by intrafamilial clinical variability (Delahaye et al. 2007. PubMed ID: 17661815). This variant is reported in 0.00090% of alleles in individuals of European (Non-Finnish) descent in gnomAD. Nonsense variants in CHD7 are expected to be pathogenic. This variant is interpreted as pathogenic.

Literature cited by the submitters: PubMed 15300250 (cited by 4 submitters); PubMed 22461308 (cited by Labcorp Genetics (formerly Invitae), Labcorp); PubMed 25077900 (cited by Labcorp Genetics (formerly Invitae), Labcorp); PubMed 16155193 (cited by Labcorp Genetics (formerly Invitae), Labcorp); PubMed 17661815 (cited by 3 submitters); PubMed 20624498 (cited by Labcorp Genetics (formerly Invitae), Labcorp); PubMed 21158681 (cited by Labcorp Genetics (formerly Invitae), Labcorp); PubMed 23024289 (cited by Labcorp Genetics (formerly Invitae), Labcorp); PubMed 26538304 (cited by Labcorp Genetics (formerly Invitae), Labcorp and Ambry Genetics); PubMed 21554267 (cited by Ambry Genetics).

NM_017780.4(CHD7):c.469C>T (p.Arg157Ter)

Gene: CHD7 (chromodomain helicase DNA binding protein 7; plus strand). Cytogenetic location: 8q12.2.
Variant type: single nucleotide variant.
Coding change: c.469C>T on transcript NM_017780.4 (MANE Select); coding-DNA position 469, C replaced by T.
Protein change: p.Arg157Ter; replaces arginine 157 with a stop codon.
Molecular consequence: nonsense.
Genome position (GRCh38, 1-based): chr8:60,741,901, C>T. VCF-style: chr8-60741901-C-T. GRCh37 (hg19) VCF-style: chr8-61654460-C-T.
Other names: c.469C>T (LRG_176t1); c.469C>T, p.Arg157Ter (NM_001316690.1); short protein forms R157*.
Identifiers: ClinVar variation 195321 (VCV000195321.31), dbSNP rs794727293, ClinGen allele CA275081.